The following is an entry in ClinVar:

NM_001127208.3(TET2):c.2716A>C (p.Met906Leu)

Genes: TET2 (tet methylcytosine dioxygenase 2; plus strand), TET2-AS1 (TET2 antisense RNA 1; minus strand). Cytogenetic location: 4q24.
Variant type: single nucleotide variant.
Coding change: c.2716A>C on transcript NM_001127208.3 (MANE Select); coding-DNA position 2716, A replaced by C.
Protein change: p.Met906Leu; replaces methionine 906 with leucine.
Molecular consequence: missense variant.
Genome position (GRCh38, 1-based): chr4:105,236,658, A>C. VCF-style: chr4-105236658-A-C. GRCh37 (hg19) VCF-style: chr4-106157815-A-C.
Other names: c.2716A>C, p.Met906Leu (NM_017628.4); short protein forms M906L.
Identifiers: ClinVar variation 4843478 (VCV004843478.1).

ClinVar aggregate classification (germline): Uncertain significance (1 of 4 stars; one submission).

gnomAD v4.1: 4 of 1,614,084 alleles (0.00025%); highest among the groups gnomAD compares: Non-Finnish European, 0.00034%; no homozygotes.

Submission:

Ambry Genetics
Classification: Uncertain significance. Last evaluated: 2025-12-15. Review status: criteria provided, single submitter. Criteria: Ambry Variant Classification Scheme 2023. Collection method: clinical testing. Allele origin: germline.
Comment: The p.M906L variant (also known as c.2716A>C), located in coding exon 1 of the TET2 gene, results from an A to C substitution at nucleotide position 2716. The methionine at codon 906 is replaced by leucine, an amino acid with highly similar properties. This amino acid position is conserved. In addition, this alteration is predicted to be tolerated by in silico analysis. Based on the available evidence, the clinical significance of this variant remains unclear.